The following is an entry in ClinVar:

NM_001018115.3(FANCD2):c.1712A>T (p.Lys571Met)

Genes: FANCD2 (FA complementation group D2; plus strand), LOC107303338 (3p25 FANCD2 Alu-mediated recombination region; plus strand). Cytogenetic location: 3p25.3.
Variant type: single nucleotide variant.
Coding change: c.1712A>T on transcript NM_001018115.3 (MANE Select); coding-DNA position 1712, A replaced by T.
Protein change: p.Lys571Met; replaces lysine 571 with methionine.
Molecular consequence: missense variant.
Genome position (GRCh38, 1-based): chr3:10,060,349, A>T. VCF-style: chr3-10060349-A-T. GRCh37 (hg19) VCF-style: chr3-10102033-A-T.
Other names: c.1601A>T, p.Lys534Met (NM_001374253.1); c.1712A>T, p.Lys571Met (NM_001374254.1, NM_033084.6, NM_001319984.2); short protein forms K571M, K534M.
Identifiers: ClinVar variation 3712043 (VCV003712043.2).

ClinVar aggregate classification (germline): Uncertain significance (1 of 4 stars; one submission).

Conditions:
Fanconi anemia (FA). Also called: Fanconi's anemia. Identifiers: Orphanet 84, MedGen C0015625, MeSH D005199, MONDO:0019391.

gnomAD v4.1: 3 of 1,613,664 alleles (0.00019%); highest among the groups gnomAD compares: Middle Eastern, 0.035%; no homozygotes.

Submission:

Labcorp Genetics (formerly Invitae), Labcorp
Classification: Uncertain significance for Fanconi anemia. Last evaluated: 2024-03-14. Review status: criteria provided, single submitter. Criteria: Invitae Variant Classification Sherloc (09022015). Collection method: clinical testing. Allele origin: germline.
Comment: This sequence change replaces lysine, which is basic and polar, with methionine, which is neutral and non-polar, at codon 571 of the FANCD2 protein (p.Lys571Met). This variant is present in population databases (rs763164400, gnomAD no frequency). This variant has not been reported in the literature in individuals affected with FANCD2-related conditions. Advanced modeling of protein sequence and biophysical properties (such as structural, functional, and spatial information, amino acid conservation, physicochemical variation, residue mobility, and thermodynamic stability) performed at Invitae indicates that this missense variant is expected to disrupt FANCD2 protein function with a positive predictive value of 80%. In summary, the available evidence is currently insufficient to determine the role of this variant in disease. Therefore, it has been classified as a Variant of Uncertain Significance.